The following is an entry in ClinVar:

NM_000170.3(GLDC):c.609C>A (p.Ala203=)

Gene: GLDC (glycine decarboxylase; minus strand). Cytogenetic location: 9p24.1.
Variant type: single nucleotide variant.
Coding change: c.609C>A on transcript NM_000170.3 (MANE Select); coding-DNA position 609, C replaced by A.
Protein change: p.Ala203=; no amino-acid change (alanine 203 retained).
Molecular consequence: synonymous variant.
Genome position (GRCh38, 1-based): chr9:6,610,218, G>T on the plus strand (C>A on the coding strand, the complement: GLDC is on the minus strand). VCF-style: chr9-6610218-G-T. GRCh37 (hg19) VCF-style: chr9-6610218-G-T.
Identifiers: ClinVar variation 2147645 (VCV002147645.11), dbSNP rs201699152, ClinGen allele CA463602932.
Genomic context (GRCh38, chr9:6,610,218, plus strand): 5'-AACTGGAATTCCAGCACTTTGAGAGGCCTCTCACCTGTAGCACAGCTGCAGTGCCTCTGC[G>T]GCTGCAGTCCCCTCATCCAGCAGGGATGCATTGGCCATGTCCAGGCCTGTGATGTCACAC-3'
Protein context (NP_000161.2, residues 193-213): NASLLDEGTA[Ala203=]AEALQLCYRH

ClinVar aggregate classification (germline): Likely benign. Review status: criteria provided, multiple submitters, no conflicts (2 of 4 stars). 2 submissions from 2 submitters: Likely benign (2). Last evaluated 2025-04-01.

Conditions:
Glycine encephalopathy. Also called: Nonketotic hyperglycinemia; Non-ketotic hyperglycinemia. Identifiers: Orphanet 407, MedGen C0751748, MONDO:0011612, HP:0008288.

gnomAD v4.1: 1 of 1,612,842 alleles (0.000062%); highest among the groups gnomAD compares: African/African-American, 0.0013%; no homozygotes.

Submissions (2):

CeGaT Center for Human Genetics Tuebingen
Classification: Likely benign. Last evaluated: 2025-04-01. Review status: criteria provided, single submitter. Criteria: CeGaT Center For Human Genetics Tuebingen Variant Classification Criteria Version 2. Collection method: clinical testing. Allele origin: germline. Affected: yes. Observed: 1 variant allele.
Comment: GLDC: BP4, BP7

Labcorp Genetics (formerly Invitae), Labcorp
Classification: Likely benign for Glycine encephalopathy. Last evaluated: 2023-04-20. Review status: criteria provided, single submitter. Criteria: Invitae Variant Classification Sherloc (09022015). Collection method: clinical testing. Allele origin: germline.